The following is an entry in ClinVar:

ClinVar aggregate classification (germline): Uncertain significance (1 of 4 stars; one submission).

Conditions:
Emery-Dreifuss muscular dystrophy 4, autosomal dominant (EDMD4). Also called: EMERY-DREIFUSS MUSCULAR DYSTROPHY 4 WITH VARIABLE FEATURES. Identifiers: Orphanet 261, MedGen C2751807, MONDO:0013071, OMIM 612998.
Autosomal recessive ataxia, Beauce type. Also called: SYNE1-Related Autosomal Recessive Cerebellar Ataxia; Spinocerebellar ataxia, autosomal recessive 8; ATAXIA, RECESSIVE, OF BEAUCE; SYNE1 Deficiency. Identifiers: Orphanet 88644, MedGen C1853116, MONDO:0012549, OMIM 610743.

Allele frequency attached by ClinVar (database versions not stated): gnomAD exomes below 0.00001; TOPMed below 0.00001; ExAC 0.00001.
gnomAD v4.1: 3 of 1,614,038 alleles (0.00019%); highest among the groups gnomAD compares: Non-Finnish European, 0.00025%; no homozygotes.

Submission:

Labcorp Genetics (formerly Invitae), Labcorp
Classification: Uncertain significance for Emery-Dreifuss muscular dystrophy 4, autosomal dominant; Autosomal recessive ataxia, Beauce type. Last evaluated: 2018-09-13. Review status: criteria provided, single submitter. Criteria: Invitae Variant Classification Sherloc (09022015). Collection method: clinical testing. Allele origin: germline.
Comment: In summary, this variant is a rare missense change with uncertain impact on protein function. There is no indication that it causes disease, but the available evidence is currently insufficient to prove that conclusively. Therefore, it has been classified as a Variant of Uncertain Significance. Algorithms developed to predict the effect of missense changes on protein structure and function do not agree on the potential impact of this missense change (SIFT: "Deleterious"; PolyPhen-2: "Probably Damaging"; Align-GVGD: "Class C0"). This variant is present in population databases (rs757366114, ExAC 0.002%) but has not been reported in the literature in individuals with a SYNE1-related disease. This sequence change replaces threonine with methionine at codon 7926 of the SYNE1 protein (p.Thr7926Met). The threonine residue is highly conserved and there is a moderate physicochemical difference between threonine and methionine.

NM_182961.4(SYNE1):c.23990C>T (p.Thr7997Met)

Gene: SYNE1 (spectrin repeat containing nuclear envelope protein 1; minus strand). Cytogenetic location: 6q25.2.
Variant type: single nucleotide variant.
Coding change: c.23990C>T on transcript NM_182961.4 (MANE Select); coding-DNA position 23990, C replaced by T.
Protein change: p.Thr7997Met; replaces threonine 7997 with methionine.
Molecular consequence: missense variant.
Genome position (GRCh38, 1-based): chr6:152,155,031, G>A on the plus strand (C>T on the coding strand, the complement: SYNE1 is on the minus strand). VCF-style: chr6-152155031-G-A. GRCh37 (hg19) VCF-style: chr6-152476166-G-A.
Other names: c.596C>T, p.Thr199Met (NM_001347701.2); c.455C>T, p.Thr152Met (NM_001347702.2); c.23777C>T, p.Thr7926Met (NM_033071.5); short protein forms T7926M, T7997M, T199M, T152M.
Identifiers: ClinVar variation 471033 (VCV000471033.9), dbSNP rs757366114, ClinGen allele CA4053282.
Genomic context (GRCh38, chr6:152,155,031, plus strand): 5'-GACTTCAGCCAATCTTCAAAACGTGAATAGTCATCCAGAAATTTCTGCCACAATCGCCAC[G>A]TCTCTTCGATTCTGGGGCGGAAAATGAAAGAACAGATTCAGATTATTGGAGACTGTTTTC-3'
Protein context (NP_892006.3, residues 7987-8007): SMERRLKIEE[Thr7997Met]WRLWQKFLDD